The following is an entry in ClinVar:

ClinVar aggregate classification (germline): Uncertain significance (1 of 4 stars; one submission).

Conditions:
CSF2RA-related disorder. Also called: CSF2RA-related condition.

Submission:

PreventionGenetics, part of Exact Sciences
Classification: Uncertain significance for CSF2RA-related condition. Last evaluated: 2025-09-17. Review status: criteria provided, single submitter. Criteria: ACMG Guidelines, 2015. Collection method: clinical testing. Allele origin: germline.
Comment: The CSF2RA c.605G>A variant is predicted to result in the amino acid substitution p.Gly202Asp. To our knowledge, this variant has not been reported in the literature or in a large population database (gnomAD), indicating this variant is rare. At this time, the clinical significance of this variant is uncertain due to the absence of conclusive functional and genetic evidence.

NM_172245.4(CSF2RA):c.605G>A (p.Gly202Asp)

Gene: CSF2RA (colony stimulating factor 2 receptor subunit alpha; plus strand). Cytogenetic location: Xp22.33.
Variant type: single nucleotide variant.
Coding change: c.605G>A on transcript NM_172245.4 (MANE Select); coding-DNA position 605, G replaced by A.
Protein change: p.Gly202Asp; replaces glycine 202 with aspartic acid.
Molecular consequence: missense variant. On other transcripts: non-coding transcript variant (1).
Genome position (GRCh38, 1-based): chrX:1,290,468, G>A. VCF-style: chrX-1290468-G-A. GRCh37 (hg19) VCF-style: chrX-1409361-G-A.
Other names: c.605G>A, p.Gly202Asp (NM_001161529.2, NM_001161530.2, NM_001161531.2 and 20 more transcripts); c.206G>A, p.Gly69Asp (NM_001161532.2); short protein forms G69D, G202D.
Identifiers: ClinVar variation 4994613 (VCV004994613.1).